The following is an entry in ClinVar:

NM_030962.4(SBF2):c.3433A>G (p.Arg1145Gly)

Genes: SBF2 (SET binding factor 2; minus strand), LOC101928008 (uncharacterized LOC101928008; plus strand). Cytogenetic location: 11p15.4.
Variant type: single nucleotide variant.
Coding change: c.3433A>G on transcript NM_030962.4 (MANE Select); coding-DNA position 3433, A replaced by G.
Protein change: p.Arg1145Gly; replaces arginine 1145 with glycine.
Molecular consequence: missense variant.
Genome position (GRCh38, 1-based): chr11:9,839,520, T>C on the plus strand (A>G on the coding strand, the complement: SBF2 is on the minus strand). VCF-style: chr11-9839520-T-C. GRCh37 (hg19) VCF-style: chr11-9861067-T-C.
Other names: c.3433A>G, p.Arg1145Gly (NM_001386339.1); c.3304A>G, p.Arg1102Gly (NM_001386342.1); short protein forms R1145G, R1102G.
Identifiers: ClinVar variation 448241 (VCV000448241.25), dbSNP rs145647154, ClinGen allele CA5881286.
Genomic context (GRCh38, chr11:9,839,520, plus strand): 5'-AAGGAAGACCTCTTTTTGGAGCCCACTGACACACTTACCTCCGGCAGAGTGAATACATCC[T>C]GTTGGAGGCAGTAATTCTAAAATACTCGGGTCTTGAACGGGAAGAGCTGCCACTTATGGT-3'
Protein context (NP_112224.1, residues 1135-1155): PEYFRITASN[Arg1145Gly]MYSLCRSYPG

ClinVar aggregate classification (germline): Uncertain significance. Review status: criteria provided, multiple submitters, no conflicts (2 of 4 stars). 8 submissions from 8 submitters: Uncertain significance (8). Last evaluated 2024-12-17.

Conditions:
Inborn genetic diseases. Identifiers: MedGen C0950123, MeSH D030342.
Charcot-Marie-Tooth disease type 4. Also called: Charcot-Marie-Tooth disease, type IV; Charcot-Marie-Tooth, Type 4. Identifiers: Orphanet 64749, MedGen C4082197, MONDO:0018995.
Charcot-Marie-Tooth disease type 4B2. Also called: CHARCOT-MARIE-TOOTH DISEASE, WITH FOCALLY FOLDED MYELIN SHEATHS, AUTOSOMAL RECESSIVE, TYPE 4B2; Charcot-Marie-Tooth Neuropathy Type 4B2; CHARCOT-MARIE-TOOTH DISEASE, DEMYELINATING, TYPE 4B2; CMT 4B2. Identifiers: Orphanet 99956, MedGen C1858278, MONDO:0011475, OMIM 604563.

Allele frequency attached by ClinVar (database versions not stated): 1000 Genomes Project 30x 0.00016; gnomAD exomes 0.00018 and 0.00036; 1000 Genomes Project 0.00020; gnomAD 0.00022 and 0.00023; ExAC 0.00023; TOPMed 0.00023; ESP Exome Variant Server 0.00031.
gnomAD v4.1: 548 of 1,614,198 alleles (0.034%); highest among the groups gnomAD compares: Non-Finnish European, 0.044%; no homozygotes.

Submissions (8):

Women's Health and Genetics/Laboratory Corporation of America, LabCorp
Classification: Uncertain significance. Last evaluated: 2024-12-17. Review status: criteria provided, single submitter. Criteria: LabCorp Variant Classification Summary - May 2015. Collection method: clinical testing. Allele origin: germline.
Comment: Variant summary: SBF2 c.3433A>G (p.Arg1145Gly) results in a non-conservative amino acid change located in the Myotubularin phosphatase domain (IPR010569) of the encoded protein sequence. Three of five in-silico tools predict a damaging effect of the variant on protein function. The variant allele was found at a frequency of 0.00018 in 251458 control chromosomes. This frequency is not significantly higher than estimated for a pathogenic variant in SBF2 causing Charcot-Marie-Tooth disease type 4B2, allowing no conclusion about variant significance. To our knowledge, no occurrence of c.3433A>G in individuals affected with Charcot-Marie-Tooth disease type 4B2 and no experimental evidence demonstrating its impact on protein function have been reported. ClinVar contains an entry for this variant (Variation ID: 448241). Based on the evidence outlined above, the variant was classified as uncertain significance.

Ambry Genetics
Classification: Uncertain significance for Inborn genetic diseases. Last evaluated: 2024-11-24. Review status: criteria provided, single submitter. Criteria: Ambry Variant Classification Scheme 2023. Collection method: clinical testing. Allele origin: germline.

GeneDx
Classification: Uncertain significance. Last evaluated: 2024-11-11. Review status: criteria provided, single submitter. Criteria: GeneDx Variant Classification Process June 2021. Collection method: clinical testing. Allele origin: germline. Affected: yes.
Comment: In silico analysis supports that this missense variant has a deleterious effect on protein structure/function; Has not been previously published as pathogenic or benign to our knowledge

Mayo Clinic Laboratories, Mayo Clinic
Classification: Uncertain significance. Last evaluated: 2024-09-06. Review status: criteria provided, single submitter. Criteria: ACMG Guidelines, 2015. Collection method: clinical testing. Allele origin: germline. Observed: 1 variant allele.
Comment: PM2

Labcorp Genetics (formerly Invitae), Labcorp
Classification: Uncertain significance for Charcot-Marie-Tooth disease type 4. Last evaluated: 2022-08-28. Review status: criteria provided, single submitter. Criteria: Invitae Variant Classification Sherloc (09022015). Collection method: clinical testing. Allele origin: germline.
Comment: This sequence change replaces arginine, which is basic and polar, with glycine, which is neutral and non-polar, at codon 1145 of the SBF2 protein (p.Arg1145Gly). This variant is present in population databases (rs145647154, gnomAD 0.04%). This variant has not been reported in the literature in individuals affected with SBF2-related conditions. ClinVar contains an entry for this variant (Variation ID: 448241). Algorithms developed to predict the effect of missense changes on protein structure and function (SIFT, PolyPhen-2, Align-GVGD) all suggest that this variant is likely to be tolerated. In summary, the available evidence is currently insufficient to determine the role of this variant in disease. Therefore, it has been classified as a Variant of Uncertain Significance.

Greenwood Genetic Center Diagnostic Laboratories, Greenwood Genetic Center
Classification: Uncertain significance. Last evaluated: 2021-05-26. Review status: criteria provided, single submitter. Criteria: ACMG Guidelines, 2015. Collection method: clinical testing. Allele origin: germline. Affected: yes.
Comment: PP3

ARUP Laboratories, Molecular Genetics and Genomics, ARUP Laboratories
Classification: Uncertain significance for Charcot-Marie-Tooth disease type 4B2. Last evaluated: 2019-05-03. Review status: criteria provided, single submitter. Criteria: ARUP Molecular Germline Variant Investigation Process. Collection method: clinical testing. Allele origin: germline.
Comment: The SBF2 c.3433A>G, p.Arg1145Gly variant (rs145647154), to our knowledge, has not been reported in the medical literature; however, this variant is listed in the ClinVar database as uncertain (Variation ID: 448241). This variant is found in the general population with an allele frequency in non-Finnish European populations of 0.04% (47/129,170 alleles) in the Genome Aggregation Database. The arginine at codon 1145 is moderately conserved (Alamut v.2.11) and computational analyses (SIFT: tolerated, PolyPhen-2: damaging) predict conflicting effects of this variant on protein structure/function. Thus, based on the available information, the clinical significance of this variant is uncertain.

Athena Diagnostics
Classification: Uncertain significance. Last evaluated: 2016-09-01. Review status: criteria provided, single submitter. Criteria: Athena Diagnostics Criteria. Collection method: clinical testing. Allele origin: germline.